The following is an entry in ClinVar:

ClinVar aggregate classification (germline): Uncertain significance. Review status: criteria provided, multiple submitters, no conflicts (2 of 4 stars). 2 submissions from 2 submitters: Uncertain significance (2). Last evaluated 2024-06-09.

Conditions:
Maturity-onset diabetes of the young type 6 (MODY6). Identifiers: Orphanet 552, MedGen C1853371, MONDO:0011668, OMIM 606394.
Type 2 diabetes mellitus. Also called: Type II diabetes mellitus. Identifiers: MedGen C0011860, MeSH D003924, MONDO:0005148, OMIM 125853, HP:0005978.

Allele frequency attached by ClinVar (database versions not stated): gnomAD exomes below 0.00001; TOPMed below 0.00001; gnomAD 0.00001.

Submissions (2):

Fulgent Genetics
Classification: Uncertain significance for Type 2 diabetes mellitus; Maturity-onset diabetes of the young type 6. Last evaluated: 2024-06-09. Review status: criteria provided, single submitter. Criteria: ACMG Guidelines, 2015. Collection method: clinical testing. Allele origin: germline.

Labcorp Genetics (formerly Invitae), Labcorp
Classification: Uncertain significance. Last evaluated: 2022-02-21. Review status: criteria provided, single submitter. Criteria: Invitae Variant Classification Sherloc (09022015). Collection method: clinical testing. Allele origin: germline.
Comment: This sequence change replaces serine, which is neutral and polar, with glycine, which is neutral and non-polar, at codon 21 of the NEUROD1 protein (p.Ser21Gly). This variant is present in population databases (no rsID available, gnomAD 0.0009%). This variant has not been reported in the literature in individuals affected with NEUROD1-related conditions. Algorithms developed to predict the effect of missense changes on protein structure and function (SIFT, PolyPhen-2, Align-GVGD) all suggest that this variant is likely to be tolerated. In summary, the available evidence is currently insufficient to determine the role of this variant in disease. Therefore, it has been classified as a Variant of Uncertain Significance.

NM_002500.5(NEUROD1):c.61A>G (p.Ser21Gly)

Gene: NEUROD1 (neuronal differentiation 1; minus strand). Cytogenetic location: 2q31.3.
Variant type: single nucleotide variant.
Coding change: c.61A>G on transcript NM_002500.5 (MANE Select); coding-DNA position 61, A replaced by G.
Protein change: p.Ser21Gly; replaces serine 21 with glycine.
Molecular consequence: missense variant.
Genome position (GRCh38, 1-based): chr2:181,678,800, T>C on the plus strand (A>G on the coding strand, the complement: NEUROD1 is on the minus strand). VCF-style: chr2-181678800-T-C. GRCh37 (hg19) VCF-style: chr2-182543527-T-C.
Other names: short protein forms S21G.
Identifiers: ClinVar variation 2097715 (VCV002097715.5), dbSNP rs898716677, ClinGen allele CA62111467.